The following is an entry in ClinVar:

NM_004655.4(AXIN2):c.1227C>T (p.Leu409=)

Gene: AXIN2 (axin 2; minus strand). Cytogenetic location: 17q24.1.
Variant type: single nucleotide variant.
Coding change: c.1227C>T on transcript NM_004655.4 (MANE Select); coding-DNA position 1227, C replaced by T.
Protein change: p.Leu409=; no amino-acid change (leucine 409 retained).
Molecular consequence: synonymous variant.
Genome position (GRCh38, 1-based): chr17:65,537,809, G>A on the plus strand (C>T on the coding strand, the complement: AXIN2 is on the minus strand). VCF-style: chr17-65537809-G-A. GRCh37 (hg19) VCF-style: chr17-63533927-G-A.
Other names: c.1227C>T, p.Leu409= (NM_001363813.1); c.1227C>T (LRG_296t1).
Identifiers: ClinVar variation 513180 (VCV000513180.3), dbSNP rs1555578120, ClinGen allele CA501691379.

ClinVar aggregate classification (germline): Likely benign. Review status: criteria provided, multiple submitters, no conflicts (2 of 4 stars). 2 submissions from 2 submitters: Likely benign (2). Last evaluated 2021-04-27.

Conditions:
Hereditary cancer-predisposing syndrome. Also called: Hereditary Cancer Syndrome; Neoplastic Syndromes, Hereditary; Tumor predisposition; Hereditary neoplastic syndrome. Identifiers: Orphanet 140162, MedGen C0027672, MeSH D009386, MONDO:0015356.

Submissions (2):

Ambry Genetics
Classification: Likely benign for Hereditary cancer-predisposing syndrome. Last evaluated: 2021-04-27. Review status: criteria provided, single submitter. Criteria: Ambry Variant Classification Scheme 2023. Collection method: clinical testing. Allele origin: germline.

GeneDx
Classification: Likely benign. Last evaluated: 2017-11-01. Review status: criteria provided, single submitter. Criteria: GeneDx Variant Classification (06012015). Collection method: clinical testing. Allele origin: germline. Affected: yes.
Comment: This variant is considered likely benign or benign based on one or more of the following criteria: it is a conservative change, it occurs at a poorly conserved position in the protein, it is predicted to be benign by multiple in silico algorithms, and/or has population frequency not consistent with disease.